The following is an entry in ClinVar:

ClinVar aggregate classification (germline): Uncertain significance (1 of 4 stars; one submission).

Conditions:
Inborn genetic diseases. Identifiers: MedGen C0950123, MeSH D030342.

Allele frequency attached by ClinVar (database versions not stated): gnomAD exomes below 0.00001.
gnomAD v4.1: 2 of 1,613,816 alleles (0.00012%); highest among the groups gnomAD compares: Non-Finnish European, 0.00017%; no homozygotes.

Submission:

Ambry Genetics
Classification: Uncertain significance for Inborn genetic diseases. Last evaluated: 2023-04-27. Review status: criteria provided, single submitter. Criteria: Ambry Variant Classification Scheme 2023. Collection method: clinical testing. Allele origin: germline.
Comment: The p.H292Y variant (also known as c.874C>T), located in coding exon 8 of the LRRK2 gene, results from a C to T substitution at nucleotide position 874. The histidine at codon 292 is replaced by tyrosine, an amino acid with similar properties. This amino acid position is conserved. In addition, the in silico prediction for this alteration is inconclusive. Since supporting evidence is limited at this time, the clinical significance of this alteration remains unclear.

NM_198578.4(LRRK2):c.874C>T (p.His292Tyr)

Gene: LRRK2 (leucine rich repeat kinase 2; plus strand). Cytogenetic location: 12q12.
Variant type: single nucleotide variant.
Coding change: c.874C>T on transcript NM_198578.4 (MANE Select); coding-DNA position 874, C replaced by T.
Protein change: p.His292Tyr; replaces histidine 292 with tyrosine.
Molecular consequence: missense variant.
Genome position (GRCh38, 1-based): chr12:40,249,861, C>T. VCF-style: chr12-40249861-C-T. GRCh37 (hg19) VCF-style: chr12-40643663-C-T.
Other names: short protein forms H292Y.
Identifiers: ClinVar variation 2567375 (VCV002567375.2), dbSNP rs2499492475, ClinGen allele CA384406923.